The following is an entry in ClinVar:

NM_004357.5(CD151):c.619G>C (p.Gly207Arg)

Gene: CD151 (CD151 molecule (Raph blood group); plus strand). Cytogenetic location: 11p15.5.
Variant type: single nucleotide variant.
Coding change: c.619G>C on transcript NM_004357.5 (MANE Select); coding-DNA position 619, G replaced by C.
Protein change: p.Gly207Arg; replaces glycine 207 with arginine.
Molecular consequence: missense variant.
Genome position (GRCh38, 1-based): chr11:837,945, G>C. VCF-style: chr11-837945-G-C. GRCh37 (hg19) VCF-style: chr11-837945-G-C.
Other names: c.619G>C, p.Gly207Arg (NM_001039490.2, NM_139029.2, NM_139030.4); short protein forms G207R.
Identifiers: ClinVar variation 3689108 (VCV003689108.2).

ClinVar aggregate classification (germline): Uncertain significance (1 of 4 stars; one submission).

Submission:

Labcorp Genetics (formerly Invitae), Labcorp
Classification: Uncertain significance. Last evaluated: 2024-09-01. Review status: criteria provided, single submitter. Criteria: Invitae Variant Classification Sherloc (09022015). Collection method: clinical testing. Allele origin: germline.
Comment: This sequence change replaces glycine, which is neutral and non-polar, with arginine, which is basic and polar, at codon 207 of the CD151 protein (p.Gly207Arg). This variant is not present in population databases (gnomAD no frequency). This variant has not been reported in the literature in individuals affected with CD151-related conditions. An algorithm developed to predict the effect of missense changes on protein structure and function (PolyPhen-2) suggests that this variant is likely to be disruptive. In summary, the available evidence is currently insufficient to determine the role of this variant in disease. Therefore, it has been classified as a Variant of Uncertain Significance.